The following is an entry in ClinVar:

NM_001184.4(ATR):c.6553-21_6553-2del

Gene: ATR (ATR checkpoint kinase; minus strand). Cytogenetic location: 3q23.
Variant type: Deletion.
Coding change: c.6553-21_6553-2del on transcript NM_001184.4 (MANE Select); 21 bases into the intron before coding-DNA position 6553 through the canonical splice acceptor site of the intron before coding-DNA position 6553, 20 bases deleted (TTTAACTCTTTTTTATGACA).
Molecular consequence: splice acceptor variant.
Genome position (GRCh38, 1-based): chr3:142,468,070-142,468,089, TGTCATAAAAAAGAGTTAAA deleted on the plus strand (TTTAACTCTTTTTTATGACA on the coding strand, the reverse complement: ATR is on the minus strand); deleting any 20 consecutive bases within chr3:142,468,070-142,468,106 gives the same sequence; the c. name uses the placement nearest the transcript's 3' end. VCF-style (leftmost placement, unchanged base first): chr3-142468069-CTGTCATAAAAAAGAGTTAAA-C. GRCh37 (hg19) VCF-style: chr3-142186911-CTGTCATAAAAAAGAGTTAAA-C.
Other names: c.6361-21_6361-2del (NM_001354579.2).
Identifiers: ClinVar variation 3695834 (VCV003695834.2).
Genomic context (GRCh38, chr3:142,468,069, plus strand): 5'-CATATGAATAGCTTTATTGAGGATTTCCTTGCATCTGTTCACACGCATGGGATAAGATGA[CTGTCATAAAAAAGAGTTAAA>C]TGTCATAAAAAAGAGTTTATACAGGATTTTTAAAAGATAAATTTTTTGCTTGACAAAAAA-3'

ClinVar aggregate classification (germline): Uncertain significance (1 of 4 stars; one submission).

Submission:

Labcorp Genetics (formerly Invitae), Labcorp
Classification: Uncertain significance. Last evaluated: 2025-08-25. Review status: criteria provided, single submitter. Criteria: Invitae Variant Classification Sherloc (09022015). Collection method: clinical testing. Allele origin: germline.
Comment: This sequence change falls in intron 38 of the ATR gene. It does not directly change the encoded amino acid sequence of the ATR protein. This variant is present in population databases (rs767169873, gnomAD 0.004%). This variant has not been reported in the literature in individuals affected with ATR-related conditions. ClinVar contains an entry for this variant (Variation ID: 3695834). Experimental studies and prediction algorithms are not available or were not evaluated, and the effect of this variant on mRNA splicing is currently unknown. In summary, the available evidence is currently insufficient to determine the role of this variant in disease. Therefore, it has been classified as a Variant of Uncertain Significance.